The following is an entry in ClinVar:

ClinVar aggregate classification (germline): Conflicting classifications of pathogenicity. Review status: criteria provided, conflicting classifications (1 of 4 stars). 4 submissions from 4 submitters: Uncertain significance (3); Likely benign (1). Last evaluated 2025-02-26.

Conditions:
Hereditary cancer-predisposing syndrome. Also called: Hereditary neoplastic syndrome; Neoplastic Syndromes, Hereditary; Tumor predisposition; Hereditary Cancer Syndrome. Identifiers: Orphanet 140162, MedGen C0027672, MeSH D009386, MONDO:0015356.
Hereditary diffuse gastric adenocarcinoma (HDGC). Also called: DIFFUSE GASTRIC AND LOBULAR BREAST CANCER SYNDROME. Identifiers: Orphanet 26106, MedGen C1708349, MONDO:0007648, OMIM 137215.

gnomAD v4.1: 4 of 1,614,012 alleles (0.00025%); highest among the groups gnomAD compares: South Asian, 0.0033%; no homozygotes.

Submissions (4):

Labcorp Genetics (formerly Invitae), Labcorp
Classification: Uncertain significance for Hereditary diffuse gastric adenocarcinoma. Last evaluated: 2025-02-26. Review status: criteria provided, single submitter. Criteria: Invitae Variant Classification Sherloc (09022015). Collection method: clinical testing. Allele origin: germline.
Comment: This sequence change replaces methionine, which is neutral and non-polar, with leucine, which is neutral and non-polar, at codon 792 of the CDH1 protein (p.Met792Leu). This variant is present in population databases (rs759380419, gnomAD 0.003%). This variant has not been reported in the literature in individuals affected with CDH1-related conditions. ClinVar contains an entry for this variant (Variation ID: 481699). An algorithm developed to predict the effect of missense changes on protein structure and function outputs the following: PolyPhen-2: "Benign". The leucine amino acid residue is found in multiple mammalian species, which suggests that this missense change does not adversely affect protein function. In summary, the available evidence is currently insufficient to determine the role of this variant in disease. Therefore, it has been classified as a Variant of Uncertain Significance.

Color Diagnostics, LLC DBA Color Health
Classification: Uncertain significance for Hereditary cancer-predisposing syndrome. Last evaluated: 2025-02-23. Review status: criteria provided, single submitter. Criteria: ACMG Guidelines, 2015. Collection method: clinical testing. Allele origin: germline.
Comment: This missense variant replaces methionine with leucine at codon 792 of the CDH1 protein. To our knowledge, functional studies have not been reported for this variant. This variant has not been reported in individuals affected with CDH1-related disorders in the literature. This variant has been identified in 1/251466 chromosomes in the general population by the Genome Aggregation Database (gnomAD). The available evidence is insufficient to determine the role of this variant in disease conclusively. Therefore, this variant is classified as a Variant of Uncertain Significance.

GeneDx
Classification: Uncertain significance. Last evaluated: 2019-08-26. Review status: criteria provided, single submitter. Criteria: GeneDx Variant Classification Process June 2021. Collection method: clinical testing. Allele origin: germline. Affected: yes.
Comment: Not observed at a significant frequency in large population cohorts (Lek 2016); In silico analysis, which includes protein predictors and evolutionary conservation, supports that this variant does not alter protein structure/function; Has not been previously published as pathogenic or benign to our knowledge

Ambry Genetics
Classification: Likely benign for Hereditary cancer-predisposing syndrome. Last evaluated: 2018-02-19. Review status: criteria provided, single submitter. Criteria: Ambry Variant Classification Scheme 2023. Collection method: clinical testing. Allele origin: germline.

NM_004360.5(CDH1):c.2374A>C (p.Met792Leu)

Gene: CDH1 (cadherin 1; plus strand). Cytogenetic location: 16q22.1.
Variant type: single nucleotide variant.
Coding change: c.2374A>C on transcript NM_004360.5 (MANE Select); coding-DNA position 2374, A replaced by C.
Protein change: p.Met792Leu; replaces methionine 792 with leucine.
Molecular consequence: missense variant.
Genome position (GRCh38, 1-based): chr16:68,829,732, A>C. VCF-style: chr16-68829732-A-C. GRCh37 (hg19) VCF-style: chr16-68863635-A-C.
Other names: c.2374A>C (LRG_301t1); c.2191A>C, p.Met731Leu (NM_001317184.2); c.826A>C, p.Met276Leu (NM_001317185.2); c.409A>C, p.Met137Leu (NM_001317186.2); short protein forms M792L, M137L, M731L, M276L.
Identifiers: ClinVar variation 481699 (VCV000481699.20), dbSNP rs759380419, ClinGen allele CA8130265.
Genomic context (GRCh38, chr16:68,829,732, plus strand): 5'-CTGCACAGGGGCCTGGACGCTCGGCCTGAAGTGACTCGTAACGACGTTGCACCAACCCTC[A>C]TGAGTGTCCCCCGGTATCTTCCCCGCCCTGCCAATCCCGATGAAATTGGAAATTTTATTG-3'
Protein context (NP_004351.1, residues 782-802): VTRNDVAPTL[Met792Leu]SVPRYLPRPA